The following is an entry in ClinVar:

NM_016222.4(DDX41):c.97T>C (p.Tyr33His)

Gene: DDX41 (DEAD-box helicase 41; minus strand). Cytogenetic location: 5q35.3.
Variant type: single nucleotide variant.
Coding change: c.97T>C on transcript NM_016222.4 (MANE Select); coding-DNA position 97, T replaced by C.
Protein change: p.Tyr33His; replaces tyrosine 33 with histidine.
Molecular consequence: missense variant. On other transcripts: 5 prime UTR variant (2).
Genome position (GRCh38, 1-based): chr5:177,516,766, A>G on the plus strand (T>C on the coding strand, the complement: DDX41 is on the minus strand). VCF-style: chr5-177516766-A-G. GRCh37 (hg19) VCF-style: chr5-176943767-A-G.
Other names: c.97T>C (NM_016222.2); c.-559T>C (NM_001321732.2); c.-351T>C (NM_001321830.2); short protein forms Y33H.
Identifiers: ClinVar variation 1338019 (VCV001338019.11), dbSNP rs150205465, ClinGen allele CA3585380.

ClinVar aggregate classification (germline): Conflicting classifications of pathogenicity. Review status: criteria provided, conflicting classifications (1 of 4 stars). 5 submissions from 5 submitters: Uncertain significance (4); Benign (1). Last evaluated 2025-06-07.

Conditions:
Inborn genetic diseases. Identifiers: MedGen C0950123, MeSH D030342.
DDX41-related hematologic malignancy predisposition syndrome. Also called: Myeloproliferative/lymphoproliferative neoplasms, familial (multiple types), susceptibility to; DDX41-Associated Familial Myelodysplastic Syndrome and Acute Myeloid Leukemia. Identifiers: Orphanet 488647, MedGen C4225174, MONDO:0014809, OMIM 616871.

Allele frequency attached by ClinVar (database versions not stated): gnomAD exomes 0.00003 and 0.00007; ExAC 0.00009; TOPMed 0.00017; 1000 Genomes Project 0.00020; ESP Exome Variant Server 0.00023; gnomAD 0.00023; 1000 Genomes Project 30x 0.00031.

Submissions (5):

Labcorp Genetics (formerly Invitae), Labcorp
Classification: Uncertain significance. Last evaluated: 2025-06-07. Review status: criteria provided, single submitter. Criteria: Invitae Variant Classification Sherloc (09022015). Collection method: clinical testing. Allele origin: germline.
Comment: This sequence change replaces tyrosine, which is neutral and polar, with histidine, which is basic and polar, at codon 33 of the DDX41 protein (p.Tyr33His). This variant is present in population databases (rs150205465, gnomAD 0.05%), and has an allele count higher than expected for a pathogenic variant. This missense change has been observed in individual(s) with acute myeloid leukemia or thrombocytopenia (PMID: 35671390, 37199125, 37506341). ClinVar contains an entry for this variant (Variation ID: 1338019). An algorithm developed to predict the effect of missense changes on protein structure and function (PolyPhen-2) suggests that this variant is likely to be disruptive. In summary, the available evidence is currently insufficient to determine the role of this variant in disease. Therefore, it has been classified as a Variant of Uncertain Significance.

Ambry Genetics
Classification: Benign for Inborn genetic diseases. Last evaluated: 2024-10-29. Review status: criteria provided, single submitter. Criteria: Ambry Variant Classification Scheme 2023. Collection method: clinical testing. Allele origin: germline.

Baylor Genetics
Classification: Uncertain significance for DDX41-related hematologic malignancy predisposition syndrome. Last evaluated: 2023-10-24. Review status: criteria provided, single submitter. Criteria: ACMG Guidelines, 2015. Collection method: clinical testing. Allele origin: unknown.

St. Jude Molecular Pathology, St. Jude Children's Research Hospital
Classification: Uncertain significance for DDX41-related hematologic malignancy predisposition syndrome. Last evaluated: 2023-08-29. Review status: criteria provided, single submitter. Criteria: St. Jude Assertion Criteria 2020. Collection method: clinical testing. Allele origin: germline.
Comment: The DDX41 c.97T>C (p.Tyr33His) missense change has a maximum subpopulation frequency of 0.057% in gnomAD v2.1.1. This variant has been reported in multiple individuals with myeloproliferative neoplasms and/or acute myeloid leukemia (PMID: 35671390, 37199125, 37434984). The in silico tool REVEL predicts a benign effect on protein function, but to our knowledge this prediction has not been confirmed by functional studies. In summary, the evidence currently available is insufficient to determine the clinical significance of this variant. It has therefore been classified as of uncertain significance.

Genetic Services Laboratory, University of Chicago
Classification: Uncertain significance. Last evaluated: 2021-10-19. Review status: criteria provided, single submitter. Criteria: ACMG Guidelines, 2015. Collection method: clinical testing. Allele origin: germline. Affected: no.
Comment: DNA sequence analysis of the DDX41 gene demonstrated a sequence change, c.97T>C, in exon 2 that results in an amino acid change, p.Tyr33His. This sequence change has been described in the gnomAD database with frequency of 0.057% in the African/African-American subpopulation (dbSNP rs150205465). The p.Tyr33His change affects a moderately conserved amino acid residue located in a domain of the DDX41 protein that is not known to be functional. In-silico pathogenicity prediction tools (SIFT, PolyPhen2, Align GVGD, REVEL) provide contradictory results for the p.Tyr33His substitution. This sequence change does not appear to have been previously described in individuals with DDX41-related disorders. Due to insufficient evidences and the lack of functional studies, the clinical significance of the p.Tyr33His change remains unknown at this time.

Literature cited by the submitters: PubMed 35671390 (cited by Labcorp Genetics (formerly Invitae), Labcorp and Ambry Genetics); PubMed 37199125 (cited by Labcorp Genetics (formerly Invitae), Labcorp and Ambry Genetics); PubMed 37506341 (cited by Labcorp Genetics (formerly Invitae), Labcorp and Ambry Genetics); PubMed 37434984 (cited by Ambry Genetics).